The following is an entry in ClinVar:

ClinVar aggregate classification (germline): Uncertain significance. Review status: criteria provided, multiple submitters, no conflicts (2 of 4 stars). 2 submissions from 2 submitters: Uncertain significance (2). Last evaluated 2025-12-14.

Conditions:
Inborn genetic diseases. Identifiers: MedGen C0950123, MeSH D030342.

Allele frequency attached by ClinVar (database versions not stated): gnomAD exomes 0.00003 and 0.00008; gnomAD 0.00005; TOPMed 0.00009; ExAC 0.00010; 1000 Genomes Project 30x 0.00016; 1000 Genomes Project 0.00020.
gnomAD v4.1: 47 of 1,614,252 alleles (0.0029%); highest among the groups gnomAD compares: East Asian, 0.094%; 1 homozygote.

Submissions (2):

Labcorp Genetics (formerly Invitae), Labcorp
Classification: Uncertain significance. Last evaluated: 2025-12-14. Review status: criteria provided, single submitter. Criteria: Invitae Variant Classification Sherloc (09022015). Collection method: clinical testing. Allele origin: germline.
Comment: This sequence change replaces leucine, which is neutral and non-polar, with valine, which is neutral and non-polar, at codon 332 of the NLRP1 protein (p.Leu332Val). This variant is present in population databases (rs549362482, gnomAD 0.1%). This variant has not been reported in the literature in individuals affected with NLRP1-related conditions. ClinVar contains an entry for this variant (Variation ID: 1409193). An algorithm developed to predict the effect of missense changes on protein structure and function outputs the following: PolyPhen-2: "Possibly Damaging". The valine amino acid residue is found in multiple mammalian species, which suggests that this missense change does not adversely affect protein function. In summary, the available evidence is currently insufficient to determine the role of this variant in disease. Therefore, it has been classified as a Variant of Uncertain Significance.

Ambry Genetics
Classification: Uncertain significance for Inborn genetic diseases. Last evaluated: 2024-04-06. Review status: criteria provided, single submitter. Criteria: Ambry Variant Classification Scheme 2023. Collection method: clinical testing. Allele origin: germline.

NM_033004.4(NLRP1):c.994C>G (p.Leu332Val)

Gene: NLRP1 (NLR family pyrin domain containing 1; minus strand). Cytogenetic location: 17p13.2.
Variant type: single nucleotide variant.
Coding change: c.994C>G on transcript NM_033004.4 (MANE Select); coding-DNA position 994, C replaced by G.
Protein change: p.Leu332Val; replaces leucine 332 with valine.
Molecular consequence: missense variant.
Genome position (GRCh38, 1-based): chr17:5,559,702, G>C on the plus strand (C>G on the coding strand, the complement: NLRP1 is on the minus strand). VCF-style: chr17-5559702-G-C. GRCh37 (hg19) VCF-style: chr17-5463022-G-C.
Other names: c.994C>G, p.Leu332Val (NM_001033053.3, NM_014922.5, NM_033006.4 and 1 more transcripts); c.994C>G (NM_033004.3); short protein forms L332V.
Identifiers: ClinVar variation 1409193 (VCV001409193.9), dbSNP rs549362482, ClinGen allele CA8327452.
Genomic context (GRCh38, chr17:5,559,702, plus strand): 5'-CCCAGGCTTCCTTCACCTGCCTGGCCAGTGTTGACTTCCCAATTCCAGCAGCCCCCTGCA[G>C]TATGACTATGCGAGGTTCTTGGGTATCCAGGCCTGGGCCAAATAAGTCTCTGATCTCAAT-3'
Protein context (NP_127497.1, residues 322-342): LDTQEPRIVI[Leu332Val]QGAAGIGKST